The following is an entry in ClinVar:

NM_000717.5(CA4):c.680C>G (p.Pro227Arg)

Gene: CA4 (carbonic anhydrase 4; plus strand). Cytogenetic location: 17q23.1.
Variant type: single nucleotide variant.
Coding change: c.680C>G on transcript NM_000717.5 (MANE Select); coding-DNA position 680, C replaced by G.
Protein change: p.Pro227Arg; replaces proline 227 with arginine.
Molecular consequence: missense variant. On other transcripts: non-coding transcript variant (1).
Genome position (GRCh38, 1-based): chr17:60,158,382, C>G. VCF-style: chr17-60158382-C-G. GRCh37 (hg19) VCF-style: chr17-58235743-C-G.
Other names: short protein forms P227R.
Identifiers: ClinVar variation 2860995 (VCV002860995.4), dbSNP rs766918079, ClinGen allele CA400459674.
Genomic context (GRCh38, chr17:60,158,382, plus strand): 5'-TGCTCCCCAAGGAGGAGAAACTGAGGCACTACTTCCGCTACCTGGGCTCACTCACCACAC[C>G]GACCTGCGATGAGAAGGTCGTCTGGACTGTGTTCCGGGAGCCCATTCAGCTTCACAGAGA-3'
Protein context (NP_000708.1, residues 217-237): YFRYLGSLTT[Pro227Arg]TCDEKVVWTV

ClinVar aggregate classification (germline): Uncertain significance. Review status: criteria provided, multiple submitters, no conflicts (2 of 4 stars). 2 submissions from 2 submitters: Uncertain significance (2). Last evaluated 2024-01-04.

gnomAD v4.1: 1 of 1,614,168 alleles (0.000062%); highest among the groups gnomAD compares: Non-Finnish European, 0.000085%; no homozygotes.

Submissions (2):

Blueprint Genetics
Classification: Uncertain significance. Last evaluated: 2024-01-04. Review status: criteria provided, single submitter. Criteria: ACMG Guidelines, 2015. Collection method: clinical testing. Allele origin: germline.

Labcorp Genetics (formerly Invitae), Labcorp
Classification: Uncertain significance. Last evaluated: 2023-05-01. Review status: criteria provided, single submitter. Criteria: Invitae Variant Classification Sherloc (09022015). Collection method: clinical testing. Allele origin: germline.
Comment: This sequence change replaces proline, which is neutral and non-polar, with arginine, which is basic and polar, at codon 227 of the CA4 protein (p.Pro227Arg). In summary, the available evidence is currently insufficient to determine the role of this variant in disease. Therefore, it has been classified as a Variant of Uncertain Significance. Advanced modeling of protein sequence and biophysical properties (such as structural, functional, and spatial information, amino acid conservation, physicochemical variation, residue mobility, and thermodynamic stability) performed at Invitae indicates that this missense variant is expected to disrupt CA4 protein function. This variant has not been reported in the literature in individuals affected with CA4-related conditions. This variant is not present in population databases (gnomAD no frequency).